The following is an entry in ClinVar:

ClinVar aggregate classification (germline): Uncertain significance. Review status: criteria provided, multiple submitters, no conflicts (2 of 4 stars). 2 submissions from 2 submitters: Uncertain significance (2). Last evaluated 2026-03-17.

Conditions:
SH3KBP1-related disorder. Also called: SH3KBP1-related condition.

Allele frequency attached by ClinVar (database versions not stated): gnomAD 0.00003 and 0.00004; TOPMed 0.00003; gnomAD exomes 0.00005; ExAC 0.00009; 1000 Genomes Project 30x 0.00021; 1000 Genomes Project 0.00026.
gnomAD v4.1: 41 of 1,210,288 alleles (0.0034%); highest among the groups gnomAD compares: East Asian, 0.0089%; no homozygotes.

Submissions (2):

PreventionGenetics, part of Exact Sciences
Classification: Uncertain significance for SH3KBP1-related condition. Last evaluated: 2026-03-17. Review status: criteria provided, single submitter. Criteria: ACMG Guidelines, 2015. Collection method: clinical testing. Allele origin: germline.
Comment: The SH3KBP1 c.1900G>A variant is predicted to result in the amino acid substitution p.Val634Met. To our knowledge, this variant has not been reported in the literature. This variant is reported in 0.0076% of alleles in individuals of European (Non-Finnish) descent in gnomAD. At this time, the clinical significance of this variant is uncertain due to the absence of conclusive functional and genetic evidence.

Labcorp Genetics (formerly Invitae), Labcorp
Classification: Uncertain significance. Last evaluated: 2025-12-13. Review status: criteria provided, single submitter. Criteria: Invitae Variant Classification Sherloc (09022015). Collection method: clinical testing. Allele origin: germline.
Comment: This sequence change replaces valine, which is neutral and non-polar, with methionine, which is neutral and non-polar, at codon 609 of the SH3KBP1 protein (p.Val609Met). This variant is present in population databases (rs201469151, gnomAD 0.008%). This variant has not been reported in the literature in individuals affected with SH3KBP1-related conditions. ClinVar contains an entry for this variant (Variation ID: 1402213). Invitae Evidence Modeling of protein sequence and biophysical properties (such as structural, functional, and spatial information, amino acid conservation, physicochemical variation, residue mobility, and thermodynamic stability) indicates that this missense variant is not expected to disrupt SH3KBP1 protein function with a negative predictive value of 80%. In summary, the available evidence is currently insufficient to determine the role of this variant in disease. Therefore, it has been classified as a Variant of Uncertain Significance.

NM_031892.3(SH3KBP1):c.1825G>A (p.Val609Met)

Gene: SH3KBP1 (SH3 domain containing kinase binding protein 1; minus strand). Cytogenetic location: Xp22.12.
Variant type: single nucleotide variant.
Coding change: c.1825G>A on transcript NM_031892.3 (MANE Select); coding-DNA position 1825, G replaced by A.
Protein change: p.Val609Met; replaces valine 609 with methionine.
Molecular consequence: missense variant.
Genome position (GRCh38, 1-based): chrX:19,541,992, C>T on the plus strand (G>A on the coding strand, the complement: SH3KBP1 is on the minus strand). VCF-style: chrX-19541992-C-T. GRCh37 (hg19) VCF-style: chrX-19560110-C-T.
Other names: c.1714G>A, p.Val572Met (NM_001024666.3); c.1111G>A, p.Val371Met (NM_001184960.2); c.1696G>A, p.Val566Met (NM_001353890.2); c.1900G>A, p.Val634Met (NM_001353891.2); c.1771G>A, p.Val591Met (NM_001353892.2); c.1723G>A, p.Val575Met (NM_001353893.2); c.1594G>A, p.Val532Met (NM_001353894.2); c.1651G>A, p.Val551Met (NM_001353895.2); and 2 more; short protein forms V591M, V634M, V328M, V371M, V551M, V572M, V532M, V575M.
Identifiers: ClinVar variation 1402213 (VCV001402213.9), dbSNP rs201469151, ClinGen allele CA10364436.